The following is an entry in ClinVar:

ClinVar aggregate classification (germline): Benign. Review status: criteria provided, multiple submitters, no conflicts (2 of 4 stars). 2 submissions from 2 submitters: Benign (2). Last evaluated 2018-06-17.

Allele frequency attached by ClinVar (database versions not stated): TOPMed 0.09806; gnomAD 0.10116 and 0.09529; 1000 Genomes Project 30x 0.12477; gnomAD exomes 0.12627; 1000 Genomes Project 0.12879.

Submissions (2):

GeneDx
Classification: Benign. Last evaluated: 2018-06-17. Review status: criteria provided, single submitter. Criteria: GeneDx Variant Classification (06012015). Collection method: clinical testing. Allele origin: germline. Affected: yes.
Comment: This variant is considered likely benign or benign based on one or more of the following criteria: it is a conservative change, it occurs at a poorly conserved position in the protein, it is predicted to be benign by multiple in silico algorithms, and/or has population frequency not consistent with disease.

Breakthrough Genomics
Classification: Benign. Review status: criteria provided, single submitter. Criteria: ACMG Guidelines, 2015. Collection method: not provided. Allele origin: germline. Inheritance: Autosomal recessive inheritance. Affected: yes.

NM_003659.3(AGPS):c.-127G>A

Genes: AGPS (alkylglycerone phosphate synthase; plus strand), AGPS-DT (AGPS divergent transcript; minus strand). Cytogenetic location: 2q31.2.
Variant type: single nucleotide variant.
Coding change: c.-127G>A on transcript NM_003659.3; 127 bases upstream of the start codon, G replaced by A.
Molecular consequence: non-coding transcript variant (on NR_026966.1).
Genome position (GRCh38, 1-based): chr2:177,392,663, G>A. VCF-style: chr2-177392663-G-A. GRCh37 (hg19) VCF-style: chr2-178257391-G-A.
Identifiers: ClinVar variation 675020 (VCV000675020.4), dbSNP rs113671272, ClinGen allele CA15185671.
Genomic context (GRCh38, chr2:177,392,663, plus strand): 5'-TGACAAGGGAGCGCCGGCGCGGTGGGTGGGGGGCAGAGAATGTGAAGCTCCAGACGCATG[G>A]CACCCGCCGCCAAGTCGCCGCGGTGGCTGCCGGGATGCGCCGCAGCGAATGGTCGCGCCG-3'